The following is an entry in ClinVar:

ClinVar aggregate classification (germline): Pathogenic (1 of 4 stars; one submission).

Allele frequency attached by ClinVar (database versions not stated): TOPMed 0.00001.

Submission:

ARUP Laboratories, Molecular Genetics and Genomics, ARUP Laboratories
Classification: Pathogenic. Last evaluated: 2019-01-11. Review status: criteria provided, single submitter. Criteria: ARUP Molecular Germline Variant Investigation Process. Collection method: clinical testing. Allele origin: germline.
Comment: The F9 c.1241C>T; p.Pro414Leu variant, also known as C31224T, is reported in the literature in multiple individuals affected with moderate to severe hemophilia B (Chavali 2009, Giannelli 1994, Nielsen 1992). This variant is absent from general population databases (Exome Variant Server, Genome Aggregation Database), indicating it is not a common polymorphism. The proline at codon 414 is highly conserved, and computational analyses (SIFT, PolyPhen-2) predict that this variant is deleterious. Additionally, other amino acid substitutions at this codon (Thr, His, Arg) have been reported in individuals with moderate to severe hemophilia B and are considered pathogenic (Belvini 2005, Chavali 2009, Giannelli 1994, Mahajan 2007). Based on available information, this variant is considered to be pathogenic. References: Belvini D et al. Molecular genotyping of the Italian cohort of patients with hemophilia B. Haematologica. 2005 May;90(5):635-42. Chavali S et al. Hemophilia B is a quasi-quantitative condition with certain mutations showing phenotypic plasticity. Genomics. 2009 Dec;94(6):433-7. Giannelli F et al. Haemophilia B: database of point mutations and short additions and deletions, fifth edition, 1994. Nucleic Acids Res. 1994 Sep;22(17):3534-46. Mahajan A et al. Allelic heterogeneity of molecular events in human coagulation factor IX in Asian Indians. Mutation in brief #965. Online. Hum Mutat. 2007 May;28(5):526. Nielsen LR et al. Screening for mutations in the gene encoding factor IX. J Inherit Metab Dis. 1992;15(3):339-41.

NM_000133.4(F9):c.1241C>T (p.Pro414Leu)

Gene: F9 (coagulation factor IX; plus strand). Cytogenetic location: Xq27.1.
Variant type: single nucleotide variant.
Coding change: c.1241C>T on transcript NM_000133.4 (MANE Select); coding-DNA position 1241, C replaced by T.
Protein change: p.Pro414Leu; replaces proline 414 with leucine.
Molecular consequence: missense variant.
Genome position (GRCh38, 1-based): chrX:139,561,926, C>T. VCF-style: chrX-139561926-C-T. GRCh37 (hg19) VCF-style: chrX-138644085-C-T.
Other names: c.1127C>T, p.Pro376Leu (NM_001313913.2); short protein forms P376L, P414L.
Identifiers: ClinVar variation 811507 (VCV000811507.8), dbSNP rs1603267443, ClinGen allele CA414446750.
Genomic context (GRCh38, chrX:139,561,926, plus strand): 5'-TGTTCTGTGCTGGCTTCCATGAAGGAGGTAGAGATTCATGTCAAGGAGATAGTGGGGGAC[C>T]CCATGTTACTGAAGTGGAAGGGACCAGTTTCTTAACTGGAATTATTAGCTGGGGTGAAGA-3'
Protein context (NP_000124.1, residues 404-424): RDSCQGDSGG[Pro414Leu]HVTEVEGTSF